The following is an entry in ClinVar:

NM_018292.5(QRSL1):c.1535G>T (p.Cys512Phe)

Gene: QRSL1 (glutaminyl-tRNA amidotransferase subunit QRSL1; plus strand). Cytogenetic location: 6q21.
Variant type: single nucleotide variant.
Coding change: c.1535G>T on transcript NM_018292.5 (MANE Select); coding-DNA position 1535, G replaced by T.
Protein change: p.Cys512Phe; replaces cysteine 512 with phenylalanine.
Molecular consequence: missense variant.
Genome position (GRCh38, 1-based): chr6:106,665,950, G>T. VCF-style: chr6-106665950-G-T. GRCh37 (hg19) VCF-style: chr6-107113825-G-T.
Other names: short protein forms C512F.
Identifiers: ClinVar variation 3150381 (VCV003150381.4), dbSNP rs766207760, ClinGen allele CA3945051.

ClinVar aggregate classification (germline): Uncertain significance. Review status: criteria provided, multiple submitters, no conflicts (2 of 4 stars). 2 submissions from 2 submitters: Uncertain significance (2). Last evaluated 2025-11-02.

Conditions:
Inborn genetic diseases. Identifiers: MedGen C0950123, MeSH D030342.

Allele frequency attached by ClinVar (database versions not stated): gnomAD 0.00001; TOPMed 0.00002.
gnomAD v4.1: 39 of 1,613,870 alleles (0.0024%); highest among the groups gnomAD compares: East Asian, 0.049%; 1 homozygote.

Submissions (2):

Ambry Genetics
Classification: Uncertain significance for Inborn genetic diseases. Last evaluated: 2025-11-02. Review status: criteria provided, single submitter. Criteria: Ambry Variant Classification Scheme 2023. Collection method: clinical testing. Allele origin: germline.

Labcorp Genetics (formerly Invitae), Labcorp
Classification: Uncertain significance. Last evaluated: 2024-08-16. Review status: criteria provided, single submitter. Criteria: Invitae Variant Classification Sherloc (09022015). Collection method: clinical testing. Allele origin: germline.
Comment: This sequence change replaces cysteine, which is neutral and slightly polar, with phenylalanine, which is neutral and non-polar, at codon 512 of the QRSL1 protein (p.Cys512Phe). This variant is present in population databases (rs766207760, gnomAD 0.08%). This variant has not been reported in the literature in individuals affected with QRSL1-related conditions. An algorithm developed to predict the effect of missense changes on protein structure and function outputs the following: PolyPhen-2: "Benign". The phenylalanine amino acid residue is found in multiple mammalian species, which suggests that this missense change does not adversely affect protein function. In summary, the available evidence is currently insufficient to determine the role of this variant in disease. Therefore, it has been classified as a Variant of Uncertain Significance.